The following is an entry in ClinVar:

ClinVar aggregate classification (germline): Likely pathogenic (1 of 4 stars; one submission).

Conditions:
Transient infantile hypertriglyceridemia and hepatosteatosis. Identifiers: Orphanet 300293, MedGen C3280953, MONDO:0013771, OMIM 614480.

Submission:

Juno Genomics, Hangzhou Juno Genomics, Inc
Classification: Likely pathogenic for Transient infantile hypertriglyceridemia and hepatosteatosis. Review status: criteria provided, single submitter. Criteria: ACMG Guidelines, 2015. Collection method: clinical testing. Allele origin: germline.
Comment: Absent from controls (or at extremely low frequency if recessive) in Genome Aggregation Database.;Null variant in a gene where loss of function (LOF) is a known mechanism of disease.;Patient's phenotype or family history is highly specific for a disease with a single genetic etiology.

NM_005276.4(GPD1):c.220-2A>G

Gene: GPD1 (glycerol-3-phosphate dehydrogenase 1; plus strand). Cytogenetic location: 12q13.12.
Variant type: single nucleotide variant.
Coding change: c.220-2A>G on transcript NM_005276.4 (MANE Select); the canonical splice acceptor site of the intron before coding-DNA position 220, A replaced by G.
Molecular consequence: splice acceptor variant. On other transcripts: intron variant (1).
Genome position (GRCh38, 1-based): chr12:50,105,546, A>G. VCF-style: chr12-50105546-A-G. GRCh37 (hg19) VCF-style: chr12-50499329-A-G.
Other names: c.220-71A>G (NM_001257199.2).
Identifiers: ClinVar variation 5005125 (VCV005005125.2).